The following is an entry in ClinVar:

NM_144997.7(FLCN):c.1004G>T (p.Cys335Phe)

Gene: FLCN (folliculin; minus strand). Cytogenetic location: 17p11.2.
Variant type: single nucleotide variant.
Coding change: c.1004G>T on transcript NM_144997.7 (MANE Select); coding-DNA position 1004, G replaced by T.
Protein change: p.Cys335Phe; replaces cysteine 335 with phenylalanine.
Molecular consequence: missense variant.
Genome position (GRCh38, 1-based): chr17:17,219,077, C>A on the plus strand (G>T on the coding strand, the complement: FLCN is on the minus strand). VCF-style: chr17-17219077-C-A. GRCh37 (hg19) VCF-style: chr17-17122391-C-A.
Other names: c.1058G>T, p.Cys353Phe (NM_001353229.2); c.1004G>T, p.Cys335Phe (NM_001353230.2, NM_001353231.2); short protein forms C335F, C353F.
Identifiers: ClinVar variation 2581985 (VCV002581985.2), dbSNP rs780597146, ClinGen allele CA398532805.

ClinVar aggregate classification (germline): Uncertain significance. Review status: criteria provided, multiple submitters, no conflicts (2 of 4 stars). 2 submissions from 2 submitters: Uncertain significance (2). Last evaluated 2025-06-29.

Conditions:
Hereditary cancer-predisposing syndrome. Also called: Tumor predisposition; Hereditary neoplastic syndrome; Neoplastic Syndromes, Hereditary; Hereditary Cancer Syndrome. Identifiers: Orphanet 140162, MedGen C0027672, MeSH D009386, MONDO:0015356.

Submissions (2):

Ambry Genetics
Classification: Uncertain significance for Hereditary cancer-predisposing syndrome. Last evaluated: 2025-06-29. Review status: criteria provided, single submitter. Criteria: Ambry Variant Classification Scheme 2023. Collection method: clinical testing. Allele origin: germline.
Comment: The p.C335F variant (also known as c.1004G>T), located in coding exon 6 of the FLCN gene, results from a G to T substitution at nucleotide position 1004. The cysteine at codon 335 is replaced by phenylalanine, an amino acid with highly dissimilar properties. This amino acid position is conserved. In addition, the in silico prediction for this alteration is inconclusive. Based on the available evidence, the clinical significance of this variant remains unclear.

GeneDx
Classification: Uncertain significance. Last evaluated: 2023-03-31. Review status: criteria provided, single submitter. Criteria: GeneDx Variant Classification Process June 2021. Collection method: clinical testing. Allele origin: germline. Affected: yes.
Comment: Not observed at significant frequency in large population cohorts (gnomAD); In silico analysis supports that this missense variant does not alter protein structure/function; Has not been previously published as pathogenic or benign to our knowledge